The following is an entry in ClinVar:

NM_005912.3(MC4R):c.91C>T (p.Leu31Phe)

Gene: MC4R (melanocortin 4 receptor; minus strand). Cytogenetic location: 18q21.32.
Variant type: single nucleotide variant.
Coding change: c.91C>T on transcript NM_005912.3 (MANE Select); coding-DNA position 91, C replaced by T.
Protein change: p.Leu31Phe; replaces leucine 31 with phenylalanine.
Molecular consequence: missense variant.
Genome position (GRCh38, 1-based): chr18:60,372,259, G>A on the plus strand (C>T on the coding strand, the complement: MC4R is on the minus strand). VCF-style: chr18-60372259-G-A. GRCh37 (hg19) VCF-style: chr18-58039492-G-A.
Other names: short protein forms L31F.
Identifiers: ClinVar variation 5000641 (VCV005000641.1).

ClinVar aggregate classification (germline): Uncertain significance (1 of 4 stars; one submission).

Conditions:
MC4R-related disorder. Also called: MC4R-related condition.

gnomAD v4.1: 1 of 1,614,200 alleles (0.000062%); highest among the groups gnomAD compares: African/African-American, 0.0013%; no homozygotes.

Submission:

PreventionGenetics, part of Exact Sciences
Classification: Uncertain significance for MC4R-related condition. Last evaluated: 2025-06-10. Review status: criteria provided, single submitter. Criteria: ACMG Guidelines, 2015. Collection method: clinical testing. Allele origin: germline.
Comment: The MC4R c.91C>T variant is predicted to result in the amino acid substitution p.Leu31Phe. To our knowledge, this variant has not been reported in the literature or in a large population database (gnomAD), indicating this variant is rare. At this time, the clinical significance of this variant is uncertain due to the absence of conclusive functional and genetic evidence.